The following is an entry in ClinVar:

ClinVar aggregate classification (germline): Likely pathogenic (1 of 4 stars; one submission).

Conditions:
Argininosuccinate lyase deficiency. Also called: ARGININOSUCCINIC ACID LYASE DEFICIENCY; ASL DEFICIENCY; Argininosuccinic aciduria. Identifiers: Orphanet 23, MedGen C0268547, MONDO:0008815, OMIM 207900, HP:0025630.

Submission:

Myriad Genetics, Inc.
Classification: Likely pathogenic for Argininosuccinate lyase deficiency. Last evaluated: 2022-03-04. Review status: criteria provided, single submitter. Criteria: Myriad Women's Health Autosomal Recessive and X-Linked Classification Criteria (2021). Collection method: clinical testing. Allele origin: unknown.
Comment: NM_001024943.1(ASL):c.398C>A(S133*) is expected to be pathogenic in the context of argininosuccinic aciduria. This variant is predicted to lead to an abnormal or absent protein product due to the creation of a premature termination codon in ASL, a gene where loss-of-function variants are known to be pathogenic. Please note: this variant was assessed in the context of healthy population screening.

NM_000048.4(ASL):c.398C>A (p.Ser133Ter)

Gene: ASL (argininosuccinate lyase; plus strand). Cytogenetic location: 7q11.21.
Variant type: single nucleotide variant.
Coding change: c.398C>A on transcript NM_000048.4 (MANE Select); coding-DNA position 398, C replaced by A.
Protein change: p.Ser133Ter; replaces serine 133 with a stop codon.
Molecular consequence: nonsense.
Genome position (GRCh38, 1-based): chr7:66,083,126, C>A. VCF-style: chr7-66083126-C-A. GRCh37 (hg19) VCF-style: chr7-65548113-C-A.
Other names: c.398C>A, p.Ser133Ter (NM_001024943.2, NM_001024944.2, NM_001024946.2); short protein forms S133*.
Identifiers: ClinVar variation 1724986 (VCV001724986.2), dbSNP rs748203708, ClinGen allele CA367639369.